The following is an entry in ClinVar:

ClinVar aggregate classification (germline): Uncertain significance (1 of 4 stars; one submission).

Conditions:
Arrhythmogenic right ventricular dysplasia 12. Also called: ARRHYTHMOGENIC RIGHT VENTRICULAR DYSPLASIA, FAMILIAL, 12. Identifiers: MedGen C1969081, MONDO:0012684, OMIM 611528.
Naxos disease (NXD). Also called: KERATOSIS PALMOPLANTARIS WITH ARRHYTHMOGENIC CARDIOMYOPATHY; MAL DE NAXOS; CARDIOMYOPATHY, ARRHYTHMOGENIC RIGHT VENTRICULAR, WITH SKIN, HAIR, AND NAIL ABNORMALITIES; PALMOPLANTAR KERATODERMA WITH ARRHYTHMOGENIC RIGHT VENTRICULAR CARDIOMYOPATHY AND WOOLLY HAIR; WOOLLY HAIR, PALMOPLANTAR KERATODERMA, AND CARDIAC ABNORMALITIES. Identifiers: Orphanet 34217, MedGen C1832600, MONDO:0011017, OMIM 601214.

Allele frequency attached by ClinVar (database versions not stated): gnomAD exomes below 0.00001.
gnomAD v4.1: 1 of 1,614,096 alleles (0.000062%); highest among the groups gnomAD compares: Non-Finnish European, 0.000085%; no homozygotes.

Submission:

Labcorp Genetics (formerly Invitae), Labcorp
Classification: Uncertain significance for Arrhythmogenic right ventricular dysplasia 12; Naxos disease. Last evaluated: 2024-09-28. Review status: criteria provided, single submitter. Criteria: Invitae Variant Classification Sherloc (09022015). Collection method: clinical testing. Allele origin: germline.
Comment: This sequence change replaces asparagine, which is neutral and polar, with serine, which is neutral and polar, at codon 280 of the JUP protein (p.Asn280Ser). This variant is not present in population databases (gnomAD no frequency). This variant has not been reported in the literature in individuals affected with JUP-related conditions. ClinVar contains an entry for this variant (Variation ID: 2147051). An algorithm developed to predict the effect of missense changes on protein structure and function (PolyPhen-2) suggests that this variant is likely to be tolerated. In summary, the available evidence is currently insufficient to determine the role of this variant in disease. Therefore, it has been classified as a Variant of Uncertain Significance.

NM_002230.4(JUP):c.839A>G (p.Asn280Ser)

Gene: JUP (junction plakoglobin; minus strand). Cytogenetic location: 17q21.2.
Variant type: single nucleotide variant.
Coding change: c.839A>G on transcript NM_002230.4 (MANE Select); coding-DNA position 839, A replaced by G.
Protein change: p.Asn280Ser; replaces asparagine 280 with serine.
Molecular consequence: missense variant.
Genome position (GRCh38, 1-based): chr17:41,767,449, T>C on the plus strand (A>G on the coding strand, the complement: JUP is on the minus strand). VCF-style: chr17-41767449-T-C. GRCh37 (hg19) VCF-style: chr17-39923701-T-C.
Other names: c.839A>G, p.Asn280Ser (NM_001352773.2, NM_001352774.2, NM_001352775.2 and 3 more transcripts); short protein forms N280S.
Identifiers: ClinVar variation 2147051 (VCV002147051.4), dbSNP rs2544160882, ClinGen allele CA399500933.